The following is an entry in ClinVar:

NM_006030.4(CACNA2D2):c.288+3G>T

Gene: CACNA2D2 (calcium voltage-gated channel auxiliary subunit alpha2delta 2; minus strand). Cytogenetic location: 3p21.31.
Variant type: single nucleotide variant.
Coding change: c.288+3G>T on transcript NM_006030.4 (MANE Select); 3 bases into the intron after coding-DNA position 288, G replaced by T.
Molecular consequence: intron variant.
Genome position (GRCh38, 1-based): chr3:50,476,115, C>A on the plus strand (G>T on the coding strand, the complement: CACNA2D2 is on the minus strand). VCF-style: chr3-50476115-C-A. GRCh37 (hg19) VCF-style: chr3-50513546-C-A.
Other names: c.81+3G>T (NM_001291101.1); c.288+3G>T (NM_001005505.3, NM_001174051.3).
Identifiers: ClinVar variation 839852 (VCV000839852.5), dbSNP rs371798318, ClinGen allele CA74496386.

ClinVar aggregate classification (germline): Uncertain significance (1 of 4 stars; one submission).

Conditions:
Developmental and epileptic encephalopathy. Identifiers: MedGen C5779964, MONDO:0100620.

Allele frequency attached by ClinVar (database versions not stated): gnomAD 0.00002; TOPMed 0.00003; ESP Exome Variant Server 0.00008.

Submission:

Labcorp Genetics (formerly Invitae), Labcorp
Classification: Uncertain significance for Early-infantile DEE. Last evaluated: 2019-12-03. Review status: criteria provided, single submitter. Criteria: Invitae Variant Classification Sherloc (09022015). Collection method: clinical testing. Allele origin: germline.
Comment: This sequence change falls in intron 2 of the CACNA2D2 gene. It does not directly change the encoded amino acid sequence of the CACNA2D2 protein, but it affects a nucleotide within the consensus splice site of the intron. This variant is not present in population databases (ExAC no frequency). This variant has not been reported in the literature in individuals with CACNA2D2-related conditions. Nucleotide substitutions within the consensus splice site are a relatively common cause of aberrant splicing (PMID: 17576681, 9536098). Algorithms developed to predict the effect of sequence changes on RNA splicing suggest that this variant may disrupt the consensus splice site, but this prediction has not been confirmed by published transcriptional studies. In summary, the available evidence is currently insufficient to determine the role of this variant in disease. Therefore, it has been classified as a Variant of Uncertain Significance.

Literature cited by the submitters: PubMed 17576681; PubMed 9536098.